The following is an entry in ClinVar:

NM_004183.4(BEST1):c.227T>A (p.Ile76Asn)

Gene: BEST1 (bestrophin 1; plus strand). Cytogenetic location: 11q12.3.
Variant type: single nucleotide variant.
Coding change: c.227T>A on transcript NM_004183.4 (MANE Select); coding-DNA position 227, T replaced by A.
Protein change: p.Ile76Asn; replaces isoleucine 76 with asparagine.
Molecular consequence: missense variant. On other transcripts: non-coding transcript variant (1).
Genome position (GRCh38, 1-based): chr11:61,955,181, T>A. VCF-style: chr11-61955181-T-A. GRCh37 (hg19) VCF-style: chr11-61722653-T-A.
Other names: c.47T>A, p.Ile16Asn (NM_001139443.3, NM_001300786.2, NM_001300787.2); c.227T>A, p.Ile76Asn (NM_001363592.2); short protein forms I16N, I76N.
Identifiers: ClinVar variation 2137110 (VCV002137110.6), dbSNP rs2541354342, ClinGen allele CA380833774.

ClinVar aggregate classification (germline): Pathogenic. Review status: criteria provided, multiple submitters, no conflicts (2 of 4 stars). 3 submissions from 3 submitters: Pathogenic (2). 1 of the submissions does not count toward it. Last evaluated 2024-07-23.

Conditions:
BEST1-related disorder. Also called: BEST1-related condition; BEST1-related disorders. Identifiers: MedGen CN239200.

Submissions (3):

Labcorp Genetics (formerly Invitae), Labcorp
Classification: Pathogenic. Last evaluated: 2024-07-23. Review status: criteria provided, single submitter. Criteria: Invitae Variant Classification Sherloc (09022015). Collection method: clinical testing. Allele origin: germline.
Comment: This sequence change replaces isoleucine, which is neutral and non-polar, with asparagine, which is neutral and polar, at codon 76 of the BEST1 protein (p.Ile76Asn). This variant is not present in population databases (gnomAD no frequency). This missense change has been observed in individuals with autosomal dominant BEST1-related conditions (PMID: 21273940, 31519547). ClinVar contains an entry for this variant (Variation ID: 2137110). Advanced modeling of protein sequence and biophysical properties (such as structural, functional, and spatial information, amino acid conservation, physicochemical variation, residue mobility, and thermodynamic stability) performed at Invitae indicates that this missense variant is expected to disrupt BEST1 protein function with a positive predictive value of 95%. This variant disrupts the p.Ile76 amino acid residue in BEST1. Other variant(s) that disrupt this residue have been determined to be pathogenic (Invitae). This suggests that this residue is clinically significant, and that variants that disrupt this residue are likely to be disease-causing. For these reasons, this variant has been classified as Pathogenic.

Blueprint Genetics
Classification: Pathogenic for BEST1-related disorders. Last evaluated: 2023-12-14. Review status: criteria provided, single submitter. Criteria: ACMG Guidelines, 2015. Collection method: clinical testing. Allele origin: germline. Affected: yes. Observed: 4 variant alleles.

PreventionGenetics, part of Exact Sciences
Classification: Likely pathogenic for BEST1-related condition. Last evaluated: 2024-07-01. Review status: no assertion criteria provided. Collection method: clinical testing. Allele origin: germline. Not counted in ClinVar's aggregate classification.
Comment: The BEST1 c.227T>A variant is predicted to result in the amino acid substitution p.Ile76Asn. This variant has been reported in individuals with autosomal dominant vitelliform macular dystrophy (Table S1, Kinnick et al. 2011. PubMed ID: 21273940; Gao et al. 2019. PubMed ID: 31519547; Supplement 3, Li et al. 2023. PubMed ID: 36729443; Singuri et al. 2023. PubMed ID: 38055905). This variant has not been reported in the large population database gnomAD, indicating this variant is rare. Given the evidence, we interpret this variant as likely pathogenic.

Literature cited by the submitters: PubMed 21273940 (cited by Labcorp Genetics (formerly Invitae), Labcorp); PubMed 31519547 (cited by Labcorp Genetics (formerly Invitae), Labcorp).